The following is an entry in ClinVar:

ClinVar aggregate classification (germline): Uncertain significance. Review status: criteria provided, multiple submitters, no conflicts (2 of 4 stars). 3 submissions from 3 submitters: Uncertain significance (3). Last evaluated 2024-11-02.

Conditions:
Hereditary cancer-predisposing syndrome. Also called: Hereditary Cancer Syndrome; Hereditary neoplastic syndrome; Tumor predisposition; Neoplastic Syndromes, Hereditary. Identifiers: Orphanet 140162, MedGen C0027672, MeSH D009386, MONDO:0015356.

Submissions (3):

Ambry Genetics
Classification: Uncertain significance for Hereditary cancer-predisposing syndrome. Last evaluated: 2024-11-02. Review status: criteria provided, single submitter. Criteria: Ambry Variant Classification Scheme 2023. Collection method: clinical testing. Allele origin: germline.
Comment: The p.G835W variant (also known as c.2503G>T), located in coding exon 15 of the PMS2 gene, results from a G to T substitution at nucleotide position 2503. The glycine at codon 835 is replaced by tryptophan, an amino acid with highly dissimilar properties. This amino acid position is highly conserved in available vertebrate species. In addition, this alteration is predicted to be deleterious by in silico analysis. Since supporting evidence is limited at this time, the clinical significance of this alteration remains unclear.

Color Diagnostics, LLC DBA Color Health
Classification: Uncertain significance for Hereditary cancer-predisposing syndrome. Last evaluated: 2024-03-06. Review status: criteria provided, single submitter. Criteria: ACMG Guidelines, 2015. Collection method: clinical testing. Allele origin: germline.
Comment: This missense variant replaces glycine with tryptophan at codon 835 of the PMS2 protein. Computational prediction suggests that this variant may have deleterious impact on protein structure and function (internally defined REVEL score threshold >= 0.7, PMID: 27666373). To our knowledge, functional studies have not been reported for this variant. This variant has not been reported in individuals affected with hereditary cancer in the literature. This variant has not been identified in the general population by the Genome Aggregation Database (gnomAD). The available evidence is insufficient to determine the role of this variant in disease conclusively. Therefore, this variant is classified as a Variant of Uncertain Significance.

Women's Health and Genetics/Laboratory Corporation of America, LabCorp
Classification: Uncertain significance. Last evaluated: 2023-10-31. Review status: criteria provided, single submitter. Criteria: LabCorp Variant Classification Summary - May 2015. Collection method: clinical testing. Allele origin: germline.
Comment: Variant summary: PMS2 c.2503G>T (p.Gly835Trp) results in a non-conservative amino acid change in the encoded protein sequence. Five of five in-silico tools predict a damaging effect of the variant on protein function. The variant was absent in 159092 control chromosomes. The available data on variant occurrences in the general population are insufficient to allow any conclusion about variant significance. To our knowledge, no occurrence of c.2503G>T in individuals affected with Lynch Syndrome and no experimental evidence demonstrating its impact on protein function have been reported. One submitter has cited clinical-significance assessments for this variant to ClinVar after 2014 and has classified the variant as uncertain significance. Based on the evidence outlined above, the variant was classified as uncertain significance.

NM_000535.7(PMS2):c.2503G>T (p.Gly835Trp)

Gene: PMS2 (PMS1 homolog 2, mismatch repair system component; minus strand). Cytogenetic location: 7p22.1.
Variant type: single nucleotide variant.
Coding change: c.2503G>T on transcript NM_000535.7 (MANE Select); coding-DNA position 2503, G replaced by T.
Protein change: p.Gly835Trp; replaces glycine 835 with tryptophan.
Molecular consequence: missense variant. On other transcripts: non-coding transcript variant (1).
Genome position (GRCh38, 1-based): chr7:5,973,485, C>A on the plus strand (G>T on the coding strand, the complement: PMS2 is on the minus strand). VCF-style: chr7-5973485-C-A. GRCh37 (hg19) VCF-style: chr7-6013116-C-A.
Other names: c.2098G>T, p.Gly700Trp (NM_001018040.1, NM_001322003.2, NM_001322004.2 and 12 more transcripts); c.2347G>T, p.Gly783Trp (NM_001322006.2); c.2185G>T, p.Gly729Trp (NM_001322007.2, NM_001322008.2, NM_001406883.1); c.2131G>T, p.Gly711Trp (NM_001322009.2, NM_001406887.1, NM_001406888.1); c.1942G>T, p.Gly648Trp (NM_001322010.2, NM_001406906.1, NM_001406907.1); c.1570G>T, p.Gly524Trp (NM_001322011.2, NM_001322012.2); c.1930G>T, p.Gly644Trp (NM_001322013.2, NM_001406908.1, NM_001406909.1); c.2536G>T, p.Gly846Trp (NM_001322014.2); and 20 more; short protein forms G596W, G673W, G700W, G711W, G723W, G729W, G732W, G787W.
Identifiers: ClinVar variation 1792283 (VCV001792283.6), dbSNP rs1583269709, ClinGen allele CA366734917.
Genomic context (GRCh38, chr7:5,973,485, plus strand): 5'-TGGCGATGTGTCTCATGGTTGGCCTTCCATGGGGACAGTTCCAGGGGTGGTCCATCTCCC[C>A]CATGTGGGTGATCAGTTTCTTCATCTCGCTTGTGTTAAGAGCAGTCCCAATCATCACCTG-3'
Protein context (NP_000526.2, residues 825-845): SEMKKLITHM[Gly835Trp]EMDHPWNCPH